The following is an entry in ClinVar:

NM_022455.5(NSD1):c.5120T>A (p.Val1707Asp)

Gene: NSD1 (nuclear receptor binding SET domain protein 1; plus strand). Cytogenetic location: 5q35.3.
Variant type: single nucleotide variant.
Coding change: c.5120T>A on transcript NM_022455.5 (MANE Select); coding-DNA position 5120, T replaced by A.
Protein change: p.Val1707Asp; replaces valine 1707 with aspartic acid.
Molecular consequence: missense variant.
Genome position (GRCh38, 1-based): chr5:177,260,142, T>A. VCF-style: chr5-177260142-T-A. GRCh37 (hg19) VCF-style: chr5-176687143-T-A.
Other names: c.4247T>A, p.Val1416Asp (NM_001365684.2, NM_001409308.1, NM_001409309.1 and 1 more transcripts); c.5120T>A, p.Val1707Asp (NM_001409301.1, NM_001409302.1, NM_001409303.1); c.4700T>A, p.Val1567Asp (NM_001409304.1); c.4367T>A, p.Val1456Asp (NM_001409305.1); c.4358T>A, p.Val1453Asp (NM_001409306.1, NM_001409307.1); short protein forms V1438D, V1707D, V1416D, V1456D, V1567D, V1453D.
Identifiers: ClinVar variation 1059420 (VCV001059420.9), dbSNP rs2149918094, ClinGen allele CA362303310.
Genomic context (GRCh38, chr5:177,260,142, plus strand): 5'-TCATCTGCCCTAATCACTTTACCCCTAGGCGGGGCTGCCGAAATCATGAGCATGTTAATG[T>A]TAGCTGGTGCTTTGTGTGCTCAGAAGGTAAGAAATCATTTCTTCCTCTATTTGTAGTCTA-3'
Protein context (NP_071900.2, residues 1697-1717): RGCRNHEHVN[Val1707Asp]SWCFVCSEGG

ClinVar aggregate classification (germline): Uncertain significance (1 of 4 stars; one submission).

Submission:

Labcorp Genetics (formerly Invitae), Labcorp
Classification: Uncertain significance. Last evaluated: 2016-09-21. Review status: criteria provided, single submitter. Criteria: Invitae Variant Classification Sherloc (09022015). Collection method: clinical testing. Allele origin: germline.
Comment: This variant is not present in population databases (ExAC no frequency) and has not been reported in the literature in individuals with a NSD1-related disease. This sequence change replaces valine with aspartic acid at codon 1707 of the NSD1 protein (p.Val1707Asp). The valine residue is moderately conserved and there is a large physicochemical difference between valine and aspartic acid. Algorithms developed to predict the effect of missense changes on protein structure and function do not agree on the potential impact of this missense change (SIFT: "Deleterious"; PolyPhen-2: "Probably Damaging"; Align-GVGD: "Class C0"). In summary, this variant is a novel missense change with uncertain impact on protein function. It has been classified as a Variant of Uncertain Significance.